The following is an entry in ClinVar:

ClinVar aggregate classification (germline): Uncertain significance (1 of 4 stars; one submission).

Submission:

Women's Health and Genetics/Laboratory Corporation of America, LabCorp
Classification: Uncertain significance. Last evaluated: 2026-02-24. Review status: criteria provided, single submitter. Criteria: LabCorp Variant Classification Summary - May 2015. Collection method: clinical testing. Allele origin: germline.
Comment: Variant summary: PIGT c.256C>A (p.His86Asn) results in a conservative amino acid change in the encoded protein sequence. Algorithms developed to predict the effect of missense changes on protein structure and function are either unavailable or do not agree on the potential impact of this missense change. The variant allele was found at a frequency of 4e-06 in 251344 control chromosomes. The available data on variant occurrences in the general population are insufficient to allow any conclusion about variant significance. To our knowledge, no occurrence of c.256C>A in individuals affected with PIGT-related conditions and no experimental evidence demonstrating its impact on protein function have been reported. No submitters have cited clinical-significance assessments for this variant to ClinVar. Based on the evidence outlined above, the variant was classified as uncertain significance.

NM_015937.6(PIGT):c.256C>A (p.His86Asn)

Gene: PIGT (phosphatidylinositol glycan anchor biosynthesis class T; plus strand). Cytogenetic location: 20q13.12.
Variant type: single nucleotide variant.
Coding change: c.256C>A on transcript NM_015937.6 (MANE Select); coding-DNA position 256, C replaced by A.
Protein change: p.His86Asn; replaces histidine 86 with asparagine.
Molecular consequence: missense variant. On other transcripts: non-coding transcript variant (3), intron variant (1).
Genome position (GRCh38, 1-based): chr20:45,416,585, C>A. VCF-style: chr20-45416585-C-A. GRCh37 (hg19) VCF-style: chr20-44045225-C-A.
Other names: c.256C>A, p.His86Asn (NM_001184728.3, NM_001184729.3); c.187+242C>A (NM_001184730.3); short protein forms H86N.
Identifiers: ClinVar variation 4848072 (VCV004848072.1).